The following is an entry in ClinVar:

ClinVar aggregate classification (germline): Likely pathogenic. Review status: criteria provided, multiple submitters, no conflicts (2 of 4 stars). 4 submissions from 4 submitters: Likely pathogenic (4). Last evaluated 2025-12-12.

Conditions:
Autosomal dominant Alport syndrome (ATS3A). Also called: ALPORT SYNDROME 3A, AUTOSOMAL DOMINANT; Alport syndrome dominant type; Renal failure and sensorineural hearing loss. Identifiers: Orphanet 63, Orphanet 88918, MedGen C5882663, MONDO:0007086, OMIM 104200.
Hematuria, benign familial, 2 (BFH2). Identifiers: MedGen C5830421, MONDO:0958186, OMIM 620320.
Alport syndrome 3b, autosomal recessive. Identifiers: MedGen C5882699, MONDO:0957811, OMIM 620536.
Alport syndrome. Also called: Hemorrhagic familial nephritis; Hemorrhagic hereditary nephritis; Congenital hereditary hematuria. Identifiers: Orphanet 63, MedGen C1567741, MONDO:0018965.
COL4A3-related disorder. Also called: COL4A3-related condition; COL4A3-Related Disorders.

Allele frequency attached by ClinVar (database versions not stated): gnomAD exomes below 0.00001; TOPMed below 0.00001.

Submissions (4):

3billion
Classification: Likely pathogenic for Alport syndrome 3b, autosomal recessive. Last evaluated: 2025-12-12. Review status: criteria provided, single submitter. Criteria: ACMG Guidelines, 2015. Collection method: clinical testing. Allele origin: germline. Affected: yes.
Comment: The variant is observed at an extremely low frequency in the gnomAD v4.1.0 dataset (total allele frequency: <0.001%). Predicted Consequence/Location: Missense variant In silico tool predictions suggest damaging effect of the variant on gene or gene product [REVEL: 0.89 (>=0.6, sensitivity 0.68 and specificity 0.92); 3Cnet: 0.90 (> 0.75, sensitivity 0.96 and precision 0.92)]. The same nucleotide change resulting in the same amino acid change has been previously reported as pathogenic/likely pathogenic with strong evidence (ClinVar ID: VCV002572470 /PMID: 35369551 /3billion dataset). The variant has been reported to co-segregate with the disease in at least one similarly affected relative/individual in the same family or similarly affected unrelated families (PMID: 35369551). Therefore, this variant is classified as Likely pathogenic according to the recommendation of ACMG/AMP guideline.

Natera, Inc.
Classification: Likely pathogenic for Alport syndrome. Last evaluated: 2024-03-15. Review status: criteria provided, single submitter. Criteria: Natera Variant Classification Schema (03/2026). Collection method: clinical testing. Allele origin: germline.
Comment: The c.3427G>A variant in COL4A3 is a missense variant predicted to cause substitution of glycine to arginine at amino acid 1143. This variant is rare in the general population with a frequency below the threshold expected for the associated phenotype(s). This variant has been observed in one or more individuals affected with the associated recessive disease, as either homozygous or compound heterozygous with a second variant (PMID: 35369551). This variant is located in a functionally critical region of the protein. Computational prediction algorithms indicate this variant is likely to affect gene or protein function. Given the available evidence, this variant is classified as Likely Pathogenic.

Fulgent Genetics
Classification: Likely pathogenic for Autosomal dominant Alport syndrome; Hematuria, benign familial, 2; Alport syndrome 3b, autosomal recessive. Last evaluated: 2024-02-08. Review status: criteria provided, single submitter. Criteria: ACMG Guidelines, 2015. Collection method: clinical testing. Allele origin: germline.

Blueprint Genetics
Classification: Likely pathogenic for COL4A3-related disorders. Last evaluated: 2021-03-30. Review status: criteria provided, single submitter. Criteria: ACMG Guidelines, 2015. Collection method: clinical testing. Allele origin: germline. Affected: yes. Observed: 1 variant allele.

Literature cited by the submitters: PubMed 35369551 (cited by 3billion and Natera, Inc.).

NM_000091.5(COL4A3):c.3427G>A (p.Gly1143Arg)

Genes: COL4A3 (collagen type IV alpha 3 chain; plus strand), MFF-DT (MFF divergent transcript; minus strand). Cytogenetic location: 2q36.3.
Variant type: single nucleotide variant.
Coding change: c.3427G>A on transcript NM_000091.5 (MANE Select); coding-DNA position 3427, G replaced by A.
Protein change: p.Gly1143Arg; replaces glycine 1143 with arginine.
Molecular consequence: missense variant.
Genome position (GRCh38, 1-based): chr2:227,294,972, G>A. VCF-style: chr2-227294972-G-A. GRCh37 (hg19) VCF-style: chr2-228159688-G-A.
Other names: short protein forms G1143R.
Identifiers: ClinVar variation 2572470 (VCV002572470.8), dbSNP rs1489682011, ClinGen allele CA350858690.